The following is an entry in ClinVar:

NM_001035.3(RYR2):c.9723G>T (p.Met3241Ile)

Gene: RYR2 (ryanodine receptor 2; plus strand). Cytogenetic location: 1q43.
Variant type: single nucleotide variant.
Coding change: c.9723G>T on transcript NM_001035.3 (MANE Select); coding-DNA position 9723, G replaced by T.
Protein change: p.Met3241Ile; replaces methionine 3241 with isoleucine.
Molecular consequence: missense variant.
Genome position (GRCh38, 1-based): chr1:237,707,091, G>T. VCF-style: chr1-237707091-G-T. GRCh37 (hg19) VCF-style: chr1-237870391-G-T.
Other names: short protein forms M3241I.
Identifiers: ClinVar variation 3633820 (VCV003633820.2).
Genomic context (GRCh38, chr1:237,707,091, plus strand): 5'-AGCCGAGTCCGGCATTCGCTACACTCAAATGCCACATGTCATGGAAGTCATACTGCCCAT[G>T]CTTTGCAGCTACATGTCTCGTTGGTGGGAGCATGGACCTGAGAACAATCCAGAACGGGCC-3'
Protein context (NP_001026.2, residues 3231-3251): MPHVMEVILP[Met3241Ile]LCSYMSRWWE

ClinVar aggregate classification (germline): Uncertain significance (1 of 4 stars; one submission).

Conditions:
Catecholaminergic polymorphic ventricular tachycardia 1. Also called: VENTRICULAR TACHYCARDIA, CATECHOLAMINERGIC POLYMORPHIC, 1, WITH OR WITHOUT ATRIAL DYSFUNCTION AND/OR DILATED CARDIOMYOPATHY; RYR2-Related Catecholaminergic Polymorphic Ventricular Tachycardia; VENTRICULAR TACHYCARDIA, STRESS-INDUCED POLYMORPHIC 1. Identifiers: Orphanet 3286, MedGen C1631597, MONDO:0011484, OMIM 604772.

Submission:

Labcorp Genetics (formerly Invitae), Labcorp
Classification: Uncertain significance for Catecholaminergic polymorphic ventricular tachycardia 1. Last evaluated: 2024-04-18. Review status: criteria provided, single submitter. Criteria: Invitae Variant Classification Sherloc (09022015). Collection method: clinical testing. Allele origin: germline.
Comment: This sequence change replaces methionine, which is neutral and non-polar, with isoleucine, which is neutral and non-polar, at codon 3241 of the RYR2 protein (p.Met3241Ile). This variant is not present in population databases (gnomAD no frequency). This variant has not been reported in the literature in individuals affected with RYR2-related conditions. Advanced modeling of protein sequence and biophysical properties (such as structural, functional, and spatial information, amino acid conservation, physicochemical variation, residue mobility, and thermodynamic stability) has been performed at Invitae for this missense variant, however the output from this modeling did not meet the statistical confidence thresholds required to predict the impact of this variant on RYR2 protein function. Algorithms developed to predict the effect of sequence changes on RNA splicing suggest that this variant may create or strengthen a splice site. In summary, the available evidence is currently insufficient to determine the role of this variant in disease. Therefore, it has been classified as a Variant of Uncertain Significance.